The following is an entry in ClinVar:

NM_000135.4(FANCA):c.2128A>G (p.Arg710Gly)

Gene: FANCA (FA complementation group A; minus strand). Cytogenetic location: 16q24.3.
Variant type: single nucleotide variant.
Coding change: c.2128A>G on transcript NM_000135.4 (MANE Select); coding-DNA position 2128, A replaced by G.
Protein change: p.Arg710Gly; replaces arginine 710 with glycine.
Molecular consequence: missense variant.
Genome position (GRCh38, 1-based): chr16:89,771,701, T>C on the plus strand (A>G on the coding strand, the complement: FANCA is on the minus strand). VCF-style: chr16-89771701-T-C. GRCh37 (hg19) VCF-style: chr16-89838109-T-C.
Other names: c.2128A>G, p.Arg710Gly (NM_001286167.3); short protein forms R710G.
Identifiers: ClinVar variation 4775903 (VCV004775903.1).

ClinVar aggregate classification (germline): Uncertain significance (1 of 4 stars; one submission).

Conditions:
Fanconi anemia (FA). Also called: Fanconi's anemia. Identifiers: Orphanet 84, MedGen C0015625, MeSH D005199, MONDO:0019391.

gnomAD v4.1: 1 of 1,614,158 alleles (0.000062%); highest among the groups gnomAD compares: African/African-American, 0.0013%; no homozygotes.

Submission:

Labcorp Genetics (formerly Invitae), Labcorp
Classification: Uncertain significance for Fanconi anemia. Last evaluated: 2025-07-07. Review status: criteria provided, single submitter. Criteria: Invitae Variant Classification Sherloc (09022015). Collection method: clinical testing. Allele origin: germline.
Comment: This sequence change replaces arginine, which is basic and polar, with glycine, which is neutral and non-polar, at codon 710 of the FANCA protein (p.Arg710Gly). This variant is not present in population databases (gnomAD no frequency). This variant has not been reported in the literature in individuals affected with FANCA-related conditions. Invitae Evidence Modeling of protein sequence and biophysical properties (such as structural, functional, and spatial information, amino acid conservation, physicochemical variation, residue mobility, and thermodynamic stability) indicates that this missense variant is not expected to disrupt FANCA protein function with a negative predictive value of 95%. In summary, the available evidence is currently insufficient to determine the role of this variant in disease. Therefore, it has been classified as a Variant of Uncertain Significance.